The following is an entry in ClinVar:

NM_020771.4(HACE1):c.1049_1050insC (p.Lys350fs)

Gene: HACE1 (HECT domain and ankyrin repeat containing E3 ubiquitin protein ligase 1; minus strand). Cytogenetic location: 6q16.3.
Variant type: Insertion.
Coding change: c.1049_1050insC on transcript NM_020771.4 (MANE Select); coding-DNA positions 1049 to 1050, C inserted.
Protein change: p.Lys350fs; shifts the reading frame from lysine 350.
Molecular consequence: frameshift variant. On other transcripts: non-coding transcript variant (7).
Genome position: GRCh38 VCF-style: chr6-104791528-T-TG. GRCh37 (hg19) VCF-style: chr6-105239403-T-TG.
Other names: c.917_918insC, p.Lys306fs (NM_001321080.2); c.947_948insC, p.Lys316fs (NM_001321083.2); c.545_546insC, p.Lys182fs (NM_001321084.2, NM_001350557.2, NM_001350558.2); c.815_816insC, p.Lys272fs (NM_001350554.2); c.758_759insC, p.Lys253fs (NM_001350555.2); c.563_564insC, p.Lys188fs (NM_001350556.2); c.467_468insC, p.Lys156fs (NM_001350559.2); c.266_267insC, p.Lys89fs (NM_001350560.2); short protein forms K156fs, K182fs, K188fs, K253fs, K272fs, K306fs, K316fs, K350fs.
Identifiers: ClinVar variation 2629857 (VCV002629857.1), dbSNP rs1783022008, ClinGen allele CA1652672598.

ClinVar aggregate classification (germline): Likely pathogenic (1 of 4 stars; one submission).

Conditions:
HACE1-related disorder. Also called: HACE1-related condition.

Allele frequency attached by ClinVar (database versions not stated): gnomAD exomes below 0.00001; TOPMed below 0.00001.

Submission:

PreventionGenetics, part of Exact Sciences
Classification: Likely pathogenic for HACE1-related condition. Last evaluated: 2022-12-29. Review status: criteria provided, single submitter. Criteria: ACMG Guidelines, 2015. Collection method: clinical testing. Allele origin: germline.
Comment: The HACE1 c.1049_1050insC variant is predicted to result in a frameshift and premature protein termination (p.Lys350Asnfs*20). To our knowledge, this variant has not been reported in the literature or in a large population database, indicating this variant is rare. Frameshift variants in HACE1 are expected to be pathogenic. This variant is interpreted as likely pathogenic.